The following is an entry in ClinVar:

ClinVar aggregate classification (germline): Likely benign (1 of 4 stars; one submission).

Allele frequency attached by ClinVar (database versions not stated): gnomAD exomes below 0.00001.
gnomAD v4.1: 2 of 1,450,894 alleles (0.00014%); highest among the groups gnomAD compares: Admixed American, 0.005%; no homozygotes.

Submission:

GeneDx
Classification: Likely benign. Last evaluated: 2016-04-01. Review status: criteria provided, single submitter. Criteria: GeneDx Variant Classification (06012015). Collection method: clinical testing. Allele origin: germline. Affected: yes.
Comment: This variant is considered likely benign or benign based on one or more of the following criteria: it is a conservative change, it occurs at a poorly conserved position in the protein, it is predicted to be benign by multiple in silico algorithms, and/or has population frequency not consistent with disease.

NM_000744.7(CHRNA4):c.-39G>A

Genes: CHRNA4 (cholinergic receptor nicotinic alpha 4 subunit; minus strand), LOC100130587 (uncharacterized LOC100130587; plus strand). Cytogenetic location: 20q13.33.
Variant type: single nucleotide variant.
Coding change: c.-39G>A on transcript NM_000744.7 (MANE Select); 39 bases upstream of the start codon, G replaced by A.
Molecular consequence: 5 prime UTR variant. On other transcripts: non-coding transcript variant (1).
Genome position (GRCh38, 1-based): chr20:63,361,204, C>T on the plus strand (G>A on the coding strand, the complement: CHRNA4 is on the minus strand). VCF-style: chr20-63361204-C-T. GRCh37 (hg19) VCF-style: chr20-61992556-C-T.
Other names: c.-498G>A (NM_001256573.2).
Identifiers: ClinVar variation 384597 (VCV000384597.1), dbSNP rs1057522008, ClinGen allele CA16608018.